The following is an entry in ClinVar:

ClinVar aggregate classification (germline): Uncertain significance (1 of 4 stars; one submission).

gnomAD v4.1: 8 of 1,613,578 alleles (0.0005%); highest among the groups gnomAD compares: East Asian, 0.016%; no homozygotes.

Submission:

Labcorp Genetics (formerly Invitae), Labcorp
Classification: Uncertain significance. Last evaluated: 2023-08-04. Review status: criteria provided, single submitter. Criteria: Invitae Variant Classification Sherloc (09022015). Collection method: clinical testing. Allele origin: germline.
Comment: This sequence change replaces arginine, which is basic and polar, with glycine, which is neutral and non-polar, at codon 69 of the EMC1 protein (p.Arg69Gly). The frequency data for this variant in the population databases is considered unreliable, as metrics indicate poor data quality at this position in the gnomAD database. This variant has not been reported in the literature in individuals affected with EMC1-related conditions. Advanced modeling of protein sequence and biophysical properties (such as structural, functional, and spatial information, amino acid conservation, physicochemical variation, residue mobility, and thermodynamic stability) has been performed at Invitae for this missense variant, however the output from this modeling did not meet the statistical confidence thresholds required to predict the impact of this variant on EMC1 protein function. In summary, the available evidence is currently insufficient to determine the role of this variant in disease. Therefore, it has been classified as a Variant of Uncertain Significance.

NM_015047.3(EMC1):c.205C>G (p.Arg69Gly)

Gene: EMC1 (ER membrane protein complex subunit 1; minus strand). Cytogenetic location: 1p36.13.
Variant type: single nucleotide variant.
Coding change: c.205C>G on transcript NM_015047.3 (MANE Select); coding-DNA position 205, C replaced by G.
Protein change: p.Arg69Gly; replaces arginine 69 with glycine.
Molecular consequence: missense variant.
Genome position (GRCh38, 1-based): chr1:19,244,921, G>C on the plus strand (C>G on the coding strand, the complement: EMC1 is on the minus strand). VCF-style: chr1-19244921-G-C. GRCh37 (hg19) VCF-style: chr1-19571415-G-C.
Other names: c.205C>G, p.Arg69Gly (NM_001271427.2, NM_001271428.2, NM_001271429.2 and 2 more transcripts); short protein forms R69G.
Identifiers: ClinVar variation 2791178 (VCV002791178.3), dbSNP rs757025272, ClinGen allele CA653025.